The following is an entry in ClinVar:

NM_033159.4(HYAL1):c.71G>T (p.Gly24Val)

Gene: HYAL1 (hyaluronidase 1; minus strand). Cytogenetic location: 3p21.31.
Variant type: single nucleotide variant.
Coding change: c.71G>T on transcript NM_033159.4 (MANE Select); coding-DNA position 71, G replaced by T.
Protein change: p.Gly24Val; replaces glycine 24 with valine.
Molecular consequence: missense variant. On other transcripts: non-coding transcript variant (1), intron variant (2).
Genome position (GRCh38, 1-based): chr3:50,302,886, C>A on the plus strand (G>T on the coding strand, the complement: HYAL1 is on the minus strand). VCF-style: chr3-50302886-C-A. GRCh37 (hg19) VCF-style: chr3-50340317-C-A.
Other names: c.71G>T, p.Gly24Val (NM_007312.3, NM_153281.2, NM_153282.3); c.-27+580G>T (NM_153285.3); c.-213-263G>T (NM_153283.3); short protein forms G24V.
Identifiers: ClinVar variation 1905750 (VCV001905750.2), dbSNP rs782189314, ClinGen allele CA352897779.

ClinVar aggregate classification (germline): Uncertain significance (1 of 4 stars; one submission).

Conditions:
Deficiency of hyaluronoglucosaminidase (MPS9). Also called: HYALURONIDASE DEFICIENCY; MPS IX; Mucopolysaccharidosis type 9. Identifiers: Orphanet 67041, MedGen C1291490, MONDO:0011093, OMIM 601492.

gnomAD v4.1: 1 of 1,611,990 alleles (0.000062%); highest among the groups gnomAD compares: Non-Finnish European, 0.000085%; no homozygotes.

Submission:

Labcorp Genetics (formerly Invitae), Labcorp
Classification: Uncertain significance for Deficiency of hyaluronoglucosaminidase. Last evaluated: 2022-08-21. Review status: criteria provided, single submitter. Criteria: Invitae Variant Classification Sherloc (09022015). Collection method: clinical testing. Allele origin: germline.
Comment: This sequence change replaces glycine, which is neutral and non-polar, with valine, which is neutral and non-polar, at codon 24 of the HYAL1 protein (p.Gly24Val). This variant is not present in population databases (gnomAD no frequency). This variant has not been reported in the literature in individuals affected with HYAL1-related conditions. Algorithms developed to predict the effect of missense changes on protein structure and function are either unavailable or do not agree on the potential impact of this missense change (SIFT: "Deleterious"; PolyPhen-2: "Benign"; Align-GVGD: "Class C0"). In summary, the available evidence is currently insufficient to determine the role of this variant in disease. Therefore, it has been classified as a Variant of Uncertain Significance.